The following is an entry in ClinVar:

ClinVar aggregate classification (germline): Uncertain significance. Review status: criteria provided, multiple submitters, no conflicts (2 of 4 stars). 2 submissions from 2 submitters: Uncertain significance (2). Last evaluated 2024-05-22.

Conditions:
Meckel syndrome, type 11 (MKS11). Identifiers: Orphanet 564, MedGen C3809352, MONDO:0014164, OMIM 615397.
Joubert syndrome 20 (JBTS20). Identifiers: Orphanet 475, MedGen C3554235, MONDO:0013994, OMIM 614970.

Allele frequency attached by ClinVar (database versions not stated): ExAC 0.00004; gnomAD exomes 0.00004 and 0.00007; TOPMed 0.00004; gnomAD 0.00006; 1000 Genomes Project 30x 0.00031.

Submissions (2):

Fulgent Genetics
Classification: Uncertain significance for Joubert syndrome 20; Meckel syndrome, type 11. Last evaluated: 2024-05-22. Review status: criteria provided, single submitter. Criteria: ACMG Guidelines, 2015. Collection method: clinical testing. Allele origin: germline.

Labcorp Genetics (formerly Invitae), Labcorp
Classification: Uncertain significance for Joubert syndrome 20; Meckel syndrome, type 11. Last evaluated: 2022-04-10. Review status: criteria provided, single submitter. Criteria: Invitae Variant Classification Sherloc (09022015). Collection method: clinical testing. Allele origin: germline.
Comment: This sequence change replaces valine, which is neutral and non-polar, with methionine, which is neutral and non-polar, at codon 205 of the TMEM231 protein (p.Val205Met). This variant is present in population databases (rs762041003, gnomAD 0.008%). This variant has not been reported in the literature in individuals affected with TMEM231-related conditions. ClinVar contains an entry for this variant (Variation ID: 1001022). Algorithms developed to predict the effect of missense changes on protein structure and function are either unavailable or do not agree on the potential impact of this missense change (SIFT: "Deleterious"; PolyPhen-2: "Not Available"; Align-GVGD: "Class C0"). In summary, the available evidence is currently insufficient to determine the role of this variant in disease. Therefore, it has been classified as a Variant of Uncertain Significance.

NM_001077418.3(TMEM231):c.454G>A (p.Val152Met)

Gene: TMEM231 (transmembrane protein 231; minus strand). Cytogenetic location: 16q23.1.
Variant type: single nucleotide variant.
Coding change: c.454G>A on transcript NM_001077418.3 (MANE Select); coding-DNA position 454, G replaced by A.
Protein change: p.Val152Met; replaces valine 152 with methionine.
Molecular consequence: missense variant. On other transcripts: non-coding transcript variant (1).
Genome position (GRCh38, 1-based): chr16:75,545,480, C>T on the plus strand (G>A on the coding strand, the complement: TMEM231 is on the minus strand). VCF-style: chr16-75545480-C-T. GRCh37 (hg19) VCF-style: chr16-75579378-C-T.
Other names: c.613G>A, p.Val205Met (NM_001077416.2); short protein forms V152M, V205M.
Identifiers: ClinVar variation 1001022 (VCV001001022.5), dbSNP rs762041003, ClinGen allele CA8176184.